The following is an entry in ClinVar:

ClinVar aggregate classification (germline): Benign/Likely benign. Review status: criteria provided, multiple submitters, no conflicts (2 of 4 stars). 3 submissions from 3 submitters: Benign (1); Likely benign (1). 1 of the submissions does not count toward it. Last evaluated 2026-01-26.

Conditions:
GNA11-related disorder. Also called: GNA11-related condition.
Familial hypocalciuric hypercalcemia 2. Also called: Hypocalciuric hypercalcemia, familial, type II; Hypocalciuric hypercalcemia, type II; FAMILIAL BENIGN HYPERCALCEMIA, TYPE II. Identifiers: Orphanet 101049, Orphanet 405, MedGen C1840347, MONDO:0007792, OMIM 145981.
Autosomal dominant hypocalcemia 2. Identifiers: Orphanet 2238, Orphanet 428, MedGen C3809243, MONDO:0014146, OMIM 615361.

Allele frequency attached by ClinVar (database versions not stated): gnomAD 0.00007 and 0.00009; gnomAD exomes 0.00010 and 0.00013; TOPMed 0.00012; ExAC 0.00013; ESP Exome Variant Server 0.00023; 1000 Genomes Project 0.00040; 1000 Genomes Project 30x 0.00047.
gnomAD v4.1: 148 of 1,612,062 alleles (0.0092%); highest among the groups gnomAD compares: East Asian, 0.19%; no homozygotes.

Submissions (3):

Labcorp Genetics (formerly Invitae), Labcorp
Classification: Benign. Last evaluated: 2026-01-26. Review status: criteria provided, single submitter. Criteria: Invitae Variant Classification Sherloc (09022015). Collection method: clinical testing. Allele origin: germline.

Fulgent Genetics
Classification: Likely benign for Familial hypocalciuric hypercalcemia 2; Autosomal dominant hypocalcemia 2. Last evaluated: 2022-01-10. Review status: criteria provided, single submitter. Criteria: ACMG Guidelines, 2015. Collection method: clinical testing. Allele origin: unknown.

PreventionGenetics, part of Exact Sciences
Classification: Likely benign for GNA11-related condition. Last evaluated: 2019-05-08. Review status: no assertion criteria provided. Collection method: clinical testing. Allele origin: germline. Not counted in ClinVar's aggregate classification.
Comment: This variant is classified as likely benign based on ACMG/AMP sequence variant interpretation guidelines (Richards et al. 2015 PMID: 25741868, with internal and published modifications).

NM_002067.5(GNA11):c.489C>T (p.Asp163=)

Gene: GNA11 (G protein subunit alpha 11; plus strand). Cytogenetic location: 19p13.3.
Variant type: single nucleotide variant.
Coding change: c.489C>T on transcript NM_002067.5 (MANE Select); coding-DNA position 489, C replaced by T.
Protein change: p.Asp163=; no amino-acid change (aspartic acid 163 retained).
Molecular consequence: synonymous variant.
Genome position (GRCh38, 1-based): chr19:3,114,956, C>T. VCF-style: chr19-3114956-C-T. GRCh37 (hg19) VCF-style: chr19-3114954-C-T.
Other names: c.489C>T (NM_002067.4).
Identifiers: ClinVar variation 1166475 (VCV001166475.12), dbSNP rs141926949, ClinGen allele CA9074904.